The following is an entry in ClinVar:

ClinVar aggregate classification (germline): Conflicting classifications of pathogenicity. Review status: criteria provided, conflicting classifications (1 of 4 stars). 18 submissions from 18 submitters: Uncertain significance (9); Benign (1); Likely benign (6). 2 of the submissions do not count toward it. Last evaluated 2026-01-12.

Conditions:
Mismatch repair cancer syndrome 3. Identifiers: MedGen C5436807, MONDO:0030841, OMIM 619097.
Hereditary nonpolyposis colorectal neoplasms. Identifiers: MedGen C0009405, MeSH D003123.
MSH6-related disorder. Also called: MSH6-related condition; MSH6-Related disorders.
Breast and/or ovarian cancer. Identifiers: MedGen CN221562.
Hereditary cancer-predisposing syndrome. Also called: Tumor predisposition; Hereditary Cancer Syndrome; Hereditary neoplastic syndrome; Neoplastic Syndromes, Hereditary. Identifiers: Orphanet 140162, MedGen C0027672, MeSH D009386, MONDO:0015356.
Lynch syndrome. Identifiers: Orphanet 144, MedGen C4552100, MONDO:0005835. Disease mechanism: loss of function.
Lynch syndrome 5 (LYNCH5). Also called: Hereditary non-polyposis colorectal cancer, type 5; Colorectal cancer, hereditary nonpolyposis, type 5. Identifiers: Orphanet 144, MedGen C1833477, MONDO:0013710, OMIM 614350. Disease mechanism: loss of function.

Allele frequency attached by ClinVar (database versions not stated): TOPMed 0.00002; ExAC 0.00005; gnomAD exomes 0.00005.
gnomAD v4.1: 50 of 1,614,058 alleles (0.0031%); highest among the groups gnomAD compares: Admixed American, 0.02%; no homozygotes.

Submissions (18):

Labcorp Genetics (formerly Invitae), Labcorp
Classification: Benign for Hereditary nonpolyposis colorectal neoplasms. Last evaluated: 2026-01-12. Review status: criteria provided, single submitter. Criteria: Invitae Variant Classification Sherloc (09022015). Collection method: clinical testing. Allele origin: germline.

GeneDx
Classification: Uncertain significance. Last evaluated: 2025-08-04. Review status: criteria provided, single submitter. Criteria: GeneDx Variant Classification Process June 2021. Collection method: clinical testing. Allele origin: germline. Affected: yes.
Comment: In silico analysis suggests that this missense variant does not alter protein structure/function; Observed in individuals with ovarian cancer, breast cancer, leukemia, or suspected Lynch syndrome (PMID: 23047549, 25186627, 26580448, 36793599); This variant is associated with the following publications: (PMID: 23047549, 25186627, 26580448, 25085752, 31391288, 17531815, 21120944, 36793599)

Women's Health and Genetics/Laboratory Corporation of America, LabCorp
Classification: Likely benign. Last evaluated: 2025-05-02. Review status: criteria provided, single submitter. Criteria: LabCorp Variant Classification Summary - May 2015. Collection method: clinical testing. Allele origin: germline.
Comment: Variant summary: MSH6 c.1844G>C (p.Cys615Ser) results in a non-conservative amino acid change located in the connector domain (IPR007860) of the encoded protein sequence. Two of four in-silico tools predict a benign effect of the variant on protein function. The variant allele was found at a frequency of 3.1e-05 in 1607064 control chromosomes, predominantly at a frequency of 0.0002 within the Latino subpopulation in the gnomAD database. The observed variant frequency within Latino control individuals in the gnomAD database is approximately 1.4-fold of the estimated maximal expected allele frequency for a pathogenic variant in MSH6 causing Hereditary Nonpolyposis Colorectal Cancer phenotype (0.00014). The variant, c.1844G>C, has been observed in individuals affected with various tumor phenotypes, however several of these reports classified the variant as 'likely benign' at the same time (e.g. Pal_2012, Tung_2014, Zhang_2015, Li_2020, Dorling_2021, Pan_2023). To our knowledge, no experimental evidence demonstrating an impact on protein function has been reported. The following publications have been ascertained in the context of this evaluation (PMID: 31391288, 23047549, 25186627, 26580448, 33471991, 36793599). ClinVar contains an entry for this variant (Variation ID: 182628). Based on the evidence outlined above, the variant was classified as likely benign.

Center for Genomic Medicine, Rigshospitalet, Copenhagen University Hospital
Classification: Uncertain significance. Last evaluated: 2025-03-04. Review status: criteria provided, single submitter. Criteria: ACMG Guidelines, 2015. Collection method: clinical testing. Allele origin: germline.

Myriad Genetics, Inc.
Classification: Likely benign for Lynch syndrome 5. Last evaluated: 2024-12-27. Review status: criteria provided, single submitter. Criteria: Myriad Autosomal Dominant, Autosomal Recessive and X-Linked Classification Criteria (2023). Collection method: clinical testing. Allele origin: unknown.
Comment: This variant is considered likely benign. This variant is strongly associated with less severe personal and family histories of cancer, typical for individuals without pathogenic variants in this gene [PMID: 27363726].

Color Diagnostics, LLC DBA Color Health
Classification: Likely benign for Hereditary cancer-predisposing syndrome. Last evaluated: 2024-10-09. Review status: criteria provided, single submitter. Criteria: ACMG Guidelines, 2015. Collection method: clinical testing. Allele origin: germline.

Quest Diagnostics Nichols Institute San Juan Capistrano
Classification: Uncertain significance. Last evaluated: 2024-06-05. Review status: criteria provided, single submitter. Criteria: Quest Diagnostics criteria. Collection method: clinical testing. Allele origin: unknown.
Comment: The MSH6 c.1844G>C (p.Cys615Ser) variant has been reported in individuals with ovarian cancer (PMID: 23047549 (2012)), breast cancer (PMID: 25186627 (2015), 33471991 (2021), see also LOVD), and leukemia (PMID: 26580448 (2015)). It is also reported in at least one individual suspected of having Lynch syndrome (PMID: 36793599 (2023)). The frequency of this variant in the general population, 0.00023 (8/35422 chromosomes (Genome Aggregation Database)), is uninformative in the assessment of its pathogenicity. Analysis of this variant using bioinformatics tools for the prediction of the effect of amino acid changes on protein structure and function yielded predictions that this variant is benign. Based on the available information, we are unable to determine the clinical significance of this variant.

Blueprint Genetics
Classification: Likely benign. Last evaluated: 2024-05-06. Review status: criteria provided, single submitter. Criteria: ACMG Guidelines, 2015. Collection method: clinical testing. Allele origin: germline.

Department of Pathology and Laboratory Medicine, Sinai Health System
Classification: Likely benign for Mismatch repair cancer syndrome 3. Last evaluated: 2023-07-14. Review status: criteria provided, single submitter. Criteria: ACMG Guidelines, 2015. Collection method: clinical testing. Allele origin: germline. Affected: yes.

Sema4
Classification: Uncertain significance for Hereditary cancer-predisposing syndrome. Last evaluated: 2021-10-08. Review status: criteria provided, single submitter. Criteria: Sema4 Curation Guidelines. Collection method: curation. Allele origin: germline.
Comment: The MSH6 c.1844G>C (p.C615S) variant has been reported in heterozygosity in at least five individuals with colorectal cancer, leukemia, ovarian, or breast cancer (PMID: 28135145, 26580448, 25186627, 23047549). This variant was observed in 8/35422 chromosomes in the Latino population according to the Genome Aggregation Database (PMID: 32461654). This variant has been reported in ClinVar (Variation ID 182628). Functional studies have not been performed, and in silico predictions of the variant's effect on protein function are inconclusive. Based on the current evidence available, this variant is interpreted as a variant of uncertain significance.

CHEO Genetics Diagnostic Laboratory, Children's Hospital of Eastern Ontario
Classification: Uncertain significance for Breast and/or ovarian cancer. Last evaluated: 2021-05-03. Review status: criteria provided, single submitter. Criteria: ACMG Guidelines, 2015. Collection method: clinical testing. Allele origin: germline.

Genetic Services Laboratory, University of Chicago
Classification: Uncertain significance. Last evaluated: 2018-12-28. Review status: criteria provided, single submitter. Criteria: ACMG Guidelines, 2015. Collection method: clinical testing. Allele origin: germline. Affected: no.

Mendelics
Classification: Uncertain significance for Lynch syndrome. Last evaluated: 2018-07-02. Review status: criteria provided, single submitter. Criteria: Mendelics Assertion Criteria 2017. Collection method: clinical testing. Allele origin: unknown.

Ambry Genetics
Classification: Likely benign for Hereditary cancer-predisposing syndrome. Last evaluated: 2018-06-21. Review status: criteria provided, single submitter. Criteria: Ambry Variant Classification Scheme 2023. Collection method: clinical testing. Allele origin: germline.

Illumina Laboratory Services, Illumina
Classification: Uncertain significance for Lynch syndrome 5. Last evaluated: 2018-01-12. Review status: criteria provided, single submitter. Criteria: ICSL Variant Classification Criteria 13 December 2019. Collection method: clinical testing. Allele origin: germline.

Vantari Genetics
Classification: Uncertain significance for Hereditary cancer-predisposing syndrome. Last evaluated: 2016-02-05. Review status: criteria provided, single submitter. Criteria: ACMG Guidelines, 2015. Collection method: clinical testing. Allele origin: germline.

PreventionGenetics, part of Exact Sciences
Classification: Likely benign for MSH6-related condition. Last evaluated: 2024-09-03. Review status: no assertion criteria provided. Collection method: clinical testing. Allele origin: germline. Not counted in ClinVar's aggregate classification.
Comment: This variant is classified as likely benign based on ACMG/AMP sequence variant interpretation guidelines (Richards et al. 2015 PMID: 25741868, with internal and published modifications).

Counsyl
Classification: Uncertain significance for Lynch syndrome 5. Last evaluated: 2016-03-03. Review status: no assertion criteria provided. Collection method: clinical testing. Allele origin: unknown. Not counted in ClinVar's aggregate classification.

Literature cited by the submitters: PubMed 23047549 (cited by 4 submitters); PubMed 25186627 (cited by 3 submitters); PubMed 26580448 (cited by 3 submitters); PubMed 31391288 (cited by Women's Health and Genetics/Laboratory Corporation of America, LabCorp and Quest Diagnostics Nichols Institute San Juan Capistrano); PubMed 33471991 (cited by Women's Health and Genetics/Laboratory Corporation of America, LabCorp and Quest Diagnostics Nichols Institute San Juan Capistrano); PubMed 36793599 (cited by Women's Health and Genetics/Laboratory Corporation of America, LabCorp and Quest Diagnostics Nichols Institute San Juan Capistrano); PubMed 27363726 (cited by Myriad Genetics, Inc.).

NM_000179.3(MSH6):c.1844G>C (p.Cys615Ser)

Gene: MSH6 (mutS homolog 6; plus strand). Cytogenetic location: 2p16.3.
Variant type: single nucleotide variant.
Coding change: c.1844G>C on transcript NM_000179.3 (MANE Select); coding-DNA position 1844, G replaced by C.
Protein change: p.Cys615Ser; replaces cysteine 615 with serine.
Molecular consequence: missense variant.
Genome position (GRCh38, 1-based): chr2:47,799,827, G>C. VCF-style: chr2-47799827-G-C. GRCh37 (hg19) VCF-style: chr2-48026966-G-C.
Other names: p.C615S:TGT>TCT; c.1454G>C, p.Cys485Ser (NM_001281492.2); c.938G>C, p.Cys313Ser (NM_001281493.2, NM_001281494.2); short protein forms C615S, C313S, C485S.
Identifiers: ClinVar variation 182628 (VCV000182628.47), dbSNP rs730881793, ClinGen allele CA009314.